The following is an entry in ClinVar:

NM_007294.4(BRCA1):c.5152+7A>T

Gene: BRCA1 (BRCA1 DNA repair associated; minus strand). Cytogenetic location: 17q21.31.
Variant type: single nucleotide variant.
Coding change: c.5152+7A>T on transcript NM_007294.4 (MANE Select); 7 bases into the intron after coding-DNA position 5152, A replaced by T.
Molecular consequence: intron variant.
Genome position (GRCh38, 1-based): chr17:43,063,867, T>A on the plus strand (A>T on the coding strand, the complement: BRCA1 is on the minus strand). VCF-style: chr17-43063867-T-A. GRCh37 (hg19) VCF-style: chr17-41215884-T-A.
Other names: c.1843+7A>T (NM_001407977.1, NM_001407976.1, NM_001407974.1 and 3 more transcripts); c.5146+7A>T (NM_001407642.1, NM_001407634.1, NM_001407632.1 and 14 more transcripts); c.5149+7A>T (NM_001407625.1, NM_001407619.1, NM_001407610.1 and 17 more transcripts); c.5152+7A>T (NM_001407684.1, NM_001407594.1, NM_001407593.1 and 7 more transcripts); c.5215+7A>T (NM_001407583.1, NM_001407587.1, NM_001407585.1 and 1 more transcripts); c.5011+7A>T (NM_001407724.1, NM_001407697.1, NM_001407728.1 and 13 more transcripts); c.5005+7A>T (NM_001407838.1, NM_001407848.1, NM_001407839.1 and 12 more transcripts); c.1768+7A>T (NM_001408410.1); and 73 more.
Identifiers: ClinVar variation 868723 (VCV000868723.8), dbSNP rs80358046, ClinGen allele CA916080121.

ClinVar aggregate classification (germline): Uncertain significance (1 of 4 stars; one submission).

Conditions:
Hereditary breast ovarian cancer syndrome. Also called: Hereditary breast and ovarian cancer; Hereditary breast and ovarian cancer syndrome (HBOC); Breast and ovarian cancer; Hereditary breast and/or ovarian cancer syndrome; BRCA1- and BRCA2-Associated Hereditary Breast and Ovarian Cancer; Hereditary breast and ovarian cancer syndrome. Identifiers: Orphanet 145, MedGen C0677776, MeSH D061325, MONDO:0003582. Disease mechanism: loss of function.

Submissions (2):

Labcorp Genetics (formerly Invitae), Labcorp
Classification: Uncertain significance for Hereditary breast ovarian cancer syndrome. Last evaluated: 2021-11-29. Review status: criteria provided, single submitter. Criteria: Invitae Variant Classification Sherloc (09022015). Collection method: clinical testing. Allele origin: germline.
Comment: Experimental studies have shown that this variant affects BRCA1 function (PMID: 30209399). Algorithms developed to predict the effect of variants on protein structure and function are not available or were not evaluated for this variant. ClinVar contains an entry for this variant (Variation ID: 868723). This variant has not been reported in the literature in individuals affected with BRCA1-related conditions. This variant is not present in population databases (gnomAD no frequency). This sequence change falls in intron 17 of the BRCA1 gene. It does not directly change the encoded amino acid sequence of the BRCA1 protein. Algorithms developed to predict the effect of sequence changes on RNA splicing suggest that this variant is not likely to affect RNA splicing. In summary, the available evidence is currently insufficient to determine the role of this variant in disease. Therefore, it has been classified as a Variant of Uncertain Significance.

Brotman Baty Institute, University of Washington
No classification provided (evidence only). Condition: Breast-ovarian cancer, familial 1. Review status: no classification provided. Collection method: in vitro. Allele origin: not applicable. Functional consequence: functionally_abnormal. Not counted in ClinVar's aggregate classification.
ClinVar note: "not provided" was previously submitted as the classification for the variant. However, the classification appeared to be based only on an observation of functional data so it was converted to no classification on 2025-07-30.

Literature cited by the submitters: PubMed 30209399 (cited by Labcorp Genetics (formerly Invitae), Labcorp).